The following is an entry in ClinVar:

ClinVar aggregate classification (germline): Uncertain significance (1 of 4 stars; one submission).

Conditions:
Familial cancer of breast. Also called: hereditary breast carcinoma; BREAST CANCER, FAMILIAL; Hereditary breast cancer. Identifiers: Orphanet 227535, MedGen C0346153, MONDO:0016419, OMIM 114480. Disease mechanism: loss of function.

Submission:

Labcorp Genetics (formerly Invitae), Labcorp
Classification: Uncertain significance for Familial cancer of breast. Last evaluated: 2019-02-06. Review status: criteria provided, single submitter. Criteria: Invitae Variant Classification Sherloc (09022015). Collection method: clinical testing. Allele origin: germline.
Comment: Nucleotide substitutions within the consensus splice site are a relatively common cause of aberrant splicing (PMID: 17576681, 9536098). Algorithms developed to predict the effect of sequence changes on RNA splicing suggest that this variant may disrupt the consensus splice site, but this prediction has not been confirmed by published transcriptional studies. This variant has not been reported in the literature in individuals with CHEK2-related conditions. This variant is not present in population databases (ExAC no frequency). This sequence change falls in intron 11 of the CHEK2 gene. It does not directly change the encoded amino acid sequence of the CHEK2 protein, but it affects a nucleotide within the consensus splice site of the intron. In summary, the available evidence is currently insufficient to determine the role of this variant in disease. Therefore, it has been classified as a Variant of Uncertain Significance.

Literature cited by the submitters: PubMed 17576681; PubMed 9536098.

NM_007194.4(CHEK2):c.1259+3A>C

Gene: CHEK2 (checkpoint kinase 2; minus strand). Cytogenetic location: 22q12.1.
Variant type: single nucleotide variant.
Coding change: c.1259+3A>C on transcript NM_007194.4 (MANE Select); 3 bases into the intron after coding-DNA position 1259, A replaced by C.
Molecular consequence: intron variant.
Genome position (GRCh38, 1-based): chr22:28,695,707, T>G on the plus strand (A>C on the coding strand, the complement: CHEK2 is on the minus strand). VCF-style: chr22-28695707-T-G. GRCh37 (hg19) VCF-style: chr22-29091695-T-G.
Other names: c.596+3A>C (NM_001437942.1, NM_001257387.3); c.1058+3A>C (NM_001349956.3); c.1172+3A>C (NM_145862.3); c.1265+3A>C (NM_001438295.1); c.1352+3A>C (NM_001438293.1); c.1301+3A>C (NM_001438294.1); c.1388+3A>C (NM_001005735.3).
Identifiers: ClinVar variation 843182 (VCV000843182.8), dbSNP rs768691252, ClinGen allele CA916083794.
Genomic context (GRCh38, chr22:28,695,707, plus strand): 5'-CACATTTGTGACTTCATCTAATCACCTCCTACCAGTCTGTGCAGCAATGAAAATATTTCT[T>G]ACCAGATAAAAAGAATAACTCCTAAACTCCAGCAGTCCACAGCACGGTTATACCCAGCAG-3'